The following is an entry in ClinVar:

ClinVar aggregate classification (germline): Benign/Likely benign. Review status: criteria provided, multiple submitters, no conflicts (2 of 4 stars). 16 submissions from 11 submitters: Benign (14); Likely benign (2). Last evaluated 2026-01-19.

Conditions:
Connective tissue disorder. Also called: Connective tissue disease. Identifiers: MedGen C0009782, MONDO:0003900.
TRPV4-related disorder. Also called: TRPV4-related disorders; TRPV4-related condition.
Inborn genetic diseases. Identifiers: MedGen C0950123, MeSH D030342.
Charcot-Marie-Tooth disease. Also called: Charcot-Marie-Tooth Hereditary Neuropathy; Charcot-Marie-Tooth Neuropathy. Identifiers: Orphanet 166, MedGen C0007959, MONDO:0015626.
Scapuloperoneal spinal muscular atrophy (SPSMA). Also called: Scapuloperoneal spinal muscular atrophy, autosomal dominant; Scapuloperoneal Form of Spinal Muscular Atrophy; Scapuloperoneal Spinal Muscular Atrophy, TRPV4-Related; AMYOTROPHY, NEUROGENIC SCAPULOPERONEAL, NEW ENGLAND TYPE. Identifiers: Orphanet 431255, MedGen C0751335, MONDO:0008408, OMIM 181405.
Metatropic dysplasia (MTD). Also called: METATROPIC DWARFISM; Metatropic dysplasia, nonlethal dominant; Metatropic Dysplasia, TRPV4-Related. Identifiers: Orphanet 2635, MedGen C0265281, MONDO:0007986, OMIM 156530.
Neuronopathy, distal hereditary motor, autosomal dominant 8. Also called: SPINAL MUSCULAR ATROPHY, CONGENITAL BENIGN, WITH CONTRACTURES; Autosomal dominant congenital benign spinal muscular atrophy; NEURONOPATHY, DISTAL HEREDITARY MOTOR, TYPE VIII; NEUROPATHY, DISTAL HEREDITARY MOTOR, TYPE VIII. Identifiers: Orphanet 1216, MedGen C1838492, MONDO:0010839, OMIM 600175.
Charcot-Marie-Tooth disease axonal type 2C (HMSN2C). Also called: CHARCOT-MARIE-TOOTH DISEASE, AXONAL, AUTOSOMAL DOMINANT, TYPE 2C; Charcot-Marie-Tooth Neuropathy Type 2C; Charcot-Marie-Tooth Disease Type 2, TRPV4-Related (CMT2C). Identifiers: Orphanet 99937, MedGen C1853710, MONDO:0011633, OMIM 606071.
Brachyrachia (short spine dysplasia) (BCYM3). Also called: BRACHYRACHIA; Autosomal dominant brachyolmia; Brachyolmia Type 3; Brachyolmia, TRPV4-Related. Identifiers: Orphanet 93304, MedGen C0432227, MONDO:0007232, OMIM 113500.
Spondylometaphyseal dysplasia, Kozlowski type (SMDK). Also called: Dysmorphism arthrogryposis skeletal maturation advanced; Jequier-Kozlowski syndrome; Skeletal dysplasia Jequier-Kozlowski type; SMD Kozlowski type; Spondylometaphyseal Dysplasia, TRPV4-Related (Kozlowski Type). Identifiers: Orphanet 93314, MedGen C0265280, MONDO:0008477, OMIM 184252.

Allele frequency attached by ClinVar (database versions not stated): gnomAD exomes 0.00051; 1000 Genomes Project 0.00399; 1000 Genomes Project 30x 0.00422; gnomAD 0.00501 and 0.00542; ESP Exome Variant Server 0.00531; TOPMed 0.00603.

Submissions (16):

Labcorp Genetics (formerly Invitae), Labcorp
Classification: Benign for Charcot-Marie-Tooth disease axonal type 2C. Last evaluated: 2026-01-19. Review status: criteria provided, single submitter. Criteria: Invitae Variant Classification Sherloc (09022015). Collection method: clinical testing. Allele origin: germline.

Mayo Clinic Laboratories, Mayo Clinic
Classification: Benign. Last evaluated: 2025-05-23. Review status: criteria provided, single submitter. Criteria: ACMG Guidelines, 2015. Collection method: clinical testing. Allele origin: germline. Observed: 2 variant alleles.

PreventionGenetics, part of Exact Sciences
Classification: Benign for TRPV4-related condition. Last evaluated: 2025-03-12. Review status: criteria provided, single submitter. Criteria: ACMG Guidelines, 2015. Collection method: clinical testing. Allele origin: germline.
Comment: This variant is classified as benign based on ACMG/AMP sequence variant interpretation guidelines (Richards et al. 2015 PMID: 25741868, with internal and published modifications).

ARUP Laboratories, Molecular Genetics and Genomics, ARUP Laboratories
Classification: Benign. Last evaluated: 2025-02-25. Review status: criteria provided, single submitter. Criteria: ARUP Molecular Germline Variant Investigation Process 2024. Collection method: clinical testing. Allele origin: germline.

Genome Diagnostics Laboratory, The Hospital for Sick Children
Classification: Benign for Connective tissue disorder. Last evaluated: 2022-04-22. Review status: criteria provided, single submitter. Criteria: ACMG Guidelines, 2015. Collection method: clinical testing. Allele origin: germline.

Ambry Genetics
Classification: Likely benign for Inborn genetic diseases. Last evaluated: 2019-07-11. Review status: criteria provided, single submitter. Criteria: Ambry Variant Classification Scheme 2023. Collection method: clinical testing. Allele origin: germline.

Athena Diagnostics
Classification: Benign. Last evaluated: 2019-07-10. Review status: criteria provided, single submitter. Criteria: Athena Diagnostics Criteria. Collection method: clinical testing. Allele origin: germline.

GeneDx
Classification: Benign. Last evaluated: 2018-09-05. Review status: criteria provided, single submitter. Criteria: GeneDx Variant Classification Process June 2021. Collection method: clinical testing. Allele origin: germline. Affected: yes.

Illumina Laboratory Services, Illumina
Classification: Benign for Scapuloperoneal spinal muscular atrophy. Last evaluated: 2018-01-13. Review status: criteria provided, single submitter. Criteria: ICSL Variant Classification Criteria 13 December 2019. Collection method: clinical testing. Allele origin: germline.
Comment: This variant was observed in the ICSL laboratory as part of a predisposition screen in an ostensibly healthy population. It had not been previously curated by ICSL or reported in the Human Gene Mutation Database (HGMD: prior to June 1st, 2018), and was therefore a candidate for classification through an automated scoring system. Utilizing variant allele frequency, disease prevalence and penetrance estimates, and inheritance mode, an automated score was calculated to assess if this variant is too frequent to cause the disease. Based on the score and internal cut-off values, a variant classified as benign is not then subjected to further curation. The score for this variant resulted in a classification of benign for this disease.

Illumina Laboratory Services, Illumina
Classification: Benign for Spondylometaphyseal dysplasia, Kozlowski type. Last evaluated: 2018-01-13. Review status: criteria provided, single submitter. Criteria: ICSL Variant Classification Criteria 13 December 2019. Collection method: clinical testing. Allele origin: germline.
Comment: the same text as in the submission from Illumina Laboratory Services, Illumina above.

Illumina Laboratory Services, Illumina
Classification: Benign for Neuronopathy, distal hereditary motor, autosomal dominant 8. Last evaluated: 2018-01-13. Review status: criteria provided, single submitter. Criteria: ICSL Variant Classification Criteria 13 December 2019. Collection method: clinical testing. Allele origin: germline.
Comment: the same text as in the submission from Illumina Laboratory Services, Illumina above.

Illumina Laboratory Services, Illumina
Classification: Benign for Metatropic dysplasia. Last evaluated: 2018-01-13. Review status: criteria provided, single submitter. Criteria: ICSL Variant Classification Criteria 13 December 2019. Collection method: clinical testing. Allele origin: germline.
Comment: the same text as in the submission from Illumina Laboratory Services, Illumina above.

Illumina Laboratory Services, Illumina
Classification: Benign for Charcot-Marie-Tooth disease axonal type 2C. Last evaluated: 2018-01-13. Review status: criteria provided, single submitter. Criteria: ICSL Variant Classification Criteria 13 December 2019. Collection method: clinical testing. Allele origin: germline.
Comment: the same text as in the submission from Illumina Laboratory Services, Illumina above.

Illumina Laboratory Services, Illumina
Classification: Benign for Brachyrachia (short spine dysplasia). Last evaluated: 2018-01-13. Review status: criteria provided, single submitter. Criteria: ICSL Variant Classification Criteria 13 December 2019. Collection method: clinical testing. Allele origin: germline.
Comment: the same text as in the submission from Illumina Laboratory Services, Illumina above.

Breakthrough Genomics
Classification: Likely benign. Review status: criteria provided, single submitter. Criteria: ACMG Guidelines, 2015. Collection method: not provided. Allele origin: germline. Inheritance: Autosomal dominant inheritance. Affected: yes.

Molecular Genetics Laboratory, London Health Sciences Centre
Classification: Benign for Charcot-Marie-Tooth disease. Review status: criteria provided, single submitter. Criteria: ACMG Guidelines, 2015. Collection method: clinical testing. Allele origin: germline. Affected: yes.

NM_021625.5(TRPV4):c.1744C>T (p.Leu582=)

Gene: TRPV4 (transient receptor potential cation channel subfamily V member 4; minus strand). Cytogenetic location: 12q24.11.
Variant type: single nucleotide variant.
Coding change: c.1744C>T on transcript NM_021625.5 (MANE Select); coding-DNA position 1744, C replaced by T.
Protein change: p.Leu582=; no amino-acid change (leucine 582 retained).
Molecular consequence: synonymous variant.
Genome position (GRCh38, 1-based): chr12:109,792,732, G>A on the plus strand (C>T on the coding strand, the complement: TRPV4 is on the minus strand). VCF-style: chr12-109792732-G-A. GRCh37 (hg19) VCF-style: chr12-110230537-G-A.
Other names: p.Leu582=; c.1603C>T, p.Leu535= (NM_001177428.2); c.1642C>T, p.Leu548= (NM_001177431.2); c.1423C>T, p.Leu475= (NM_001177433.2); c.1564C>T, p.Leu522= (NM_147204.3).
Identifiers: ClinVar variation 261415 (VCV000261415.36), dbSNP rs35078611, ClinGen allele CA6780105.